The following is an entry in ClinVar:

NM_000141.5(FGFR2):c.138A>C (p.Gln46His)

Gene: FGFR2 (fibroblast growth factor receptor 2; minus strand). Cytogenetic location: 10q26.13.
Variant type: single nucleotide variant.
Coding change: c.138A>C on transcript NM_000141.5 (MANE Select); coding-DNA position 138, A replaced by C.
Protein change: p.Gln46His; replaces glutamine 46 with histidine.
Molecular consequence: missense variant. On other transcripts: intron variant (9).
Genome position (GRCh38, 1-based): chr10:121,565,676, T>G on the plus strand (A>C on the coding strand, the complement: FGFR2 is on the minus strand). VCF-style: chr10-121565676-T-G. GRCh37 (hg19) VCF-style: chr10-123325190-T-G.
Other names: c.138A>C, p.Gln46His (NM_001144913.1, NM_001144914.1, NM_001144917.2 and 3 more transcripts); c.110-14217A>C (NM_001144918.2, NM_001441091.1, NM_001441090.1 and 1 more transcripts); c.110-1097A>C (NM_001441089.1, NM_023029.3, NM_001441088.1 and 2 more transcripts); short protein forms Q46H.
Identifiers: ClinVar variation 374808 (VCV000374808.9), dbSNP rs748117555, ClinGen allele CA5721212.
Genomic context (GRCh38, chr10:121,565,676, plus strand): 5'-ATCTTTCAACAGGCAGCGCACCTCTAGCGACTCCCCTGGCGCAGCCACGTACACTTCTGG[T>G]TGAGAGATTTGGTATTTGGTTGGTGGCTCTGCAGAAAGGTGGGAGAGAGAAGACGGAGAC-3'
Protein context (NP_000132.3, residues 36-56): EEPPTKYQIS[Gln46His]PEVYVAAPGE

ClinVar aggregate classification (germline): Conflicting classifications of pathogenicity. Review status: criteria provided, conflicting classifications (1 of 4 stars). 3 submissions from 3 submitters: Uncertain significance (2); Likely benign (1). Last evaluated 2025-10-02.

Conditions:
Craniosynostosis, nonspecific.
Pfeiffer syndrome (ACS5). Also called: ACS V. Identifiers: Orphanet 710, MedGen C0220658, MONDO:0007043, OMIM 101600.
Gastric cancer. Also called: Malignant tumor of stomach; Stomach cancer. Identifiers: MedGen C0024623, MeSH D013274, MONDO:0001056, OMIM 613659, HP:0012126.
Acrocephalosyndactyly type I (ACS1). Also called: Acrocephalo-syndactyly type 1; ACS 1; Syndactylic oxycephaly; Apert syndrome. Identifiers: Orphanet 87, MedGen C0001193, MONDO:0007041, OMIM 101200.
Levy-Hollister syndrome (LADD). Also called: LADD syndrome. Identifiers: Orphanet 2363, MedGen C0265269, MONDO:0007872.
Antley-Bixler syndrome without genital anomalies or disordered steroidogenesis (ABS2). Also called: MULTISYNOSTOTIC OSTEODYSGENESIS WITH LONG BONE FRACTURES; Antley-Bixler Syndrome, Autosomal Dominant; Trapezoidocephaly synostosis syndrome; Osteodysgenesis, multisynostotic with fractures. Identifiers: Orphanet 596008, Orphanet 83, MedGen C2936791, MONDO:0020667, OMIM 207410.
Crouzon syndrome. Also called: CRANIOFACIAL DYSOSTOSIS, TYPE I; Craniofacial dysostosis; Craniofacial dysostosis type 1; Crouzon craniofacial dysostosis; Crouzon disease. Identifiers: Orphanet 207, MedGen C0010273, MeSH D003394, MONDO:0007405, OMIM 123500, HP:0004439.
Saethre-Chotzen syndrome (SCS). Also called: CHOTZEN SYNDROME; ACROCEPHALY, SKULL ASYMMETRY, AND MILD SYNDACTYLY; ACS III. Identifiers: Orphanet 794, MedGen C0175699, MONDO:0007042, OMIM 101400.
Familial scaphocephaly syndrome, McGillivray type. Also called: SCAPHOCEPHALY, MAXILLARY RETRUSION, AND IMPAIRED INTELLECTUAL DEVELOPMENT. Identifiers: Orphanet 168624, MedGen C1865070, MONDO:0012307, OMIM 609579.
Beare-Stevenson cutis gyrata syndrome (BSTVS). Identifiers: Orphanet 1555, MedGen C1852406, MONDO:0007412, OMIM 123790.
Jackson-Weiss syndrome (JWS). Also called: CRANIOSYNOSTOSIS, MIDFACIAL HYPOPLASIA, AND FOOT ABNORMALITIES. Identifiers: Orphanet 1540, MedGen C0795998, MONDO:0007400, OMIM 123150. Disease mechanism: loss of function.
Bent bone dysplasia syndrome 1 (BBDS1). Also called: FGFR2-related bent bone dysplasia. Identifiers: Orphanet 313855, MedGen C3281247, MONDO:0013815, OMIM 614592.
FGFR2-related craniosynostosis. Identifiers: MedGen CN231480.

Allele frequency attached by ClinVar (database versions not stated): gnomAD 0.00001; gnomAD exomes 0.00001; TOPMed 0.00001; ExAC 0.00002.
gnomAD v4.1: 7 of 1,613,922 alleles (0.00043%); highest among the groups gnomAD compares: Admixed American, 0.01%; no homozygotes.

Submissions (3):

Labcorp Genetics (formerly Invitae), Labcorp
Classification: Likely benign for FGFR2-related craniosynostosis. Last evaluated: 2025-10-02. Review status: criteria provided, single submitter. Criteria: Invitae Variant Classification Sherloc (09022015). Collection method: clinical testing. Allele origin: germline.

Fulgent Genetics
Classification: Uncertain significance for Acrocephalosyndactyly type I; Saethre-Chotzen syndrome; Pfeiffer syndrome; Jackson-Weiss syndrome; Crouzon syndrome; Beare-Stevenson cutis gyrata syndrome; LADD syndrome 1; Antley-Bixler syndrome without genital anomalies or disordered steroidogenesis; Familial scaphocephaly syndrome, McGillivray type; Gastric cancer; Bent bone dysplasia syndrome 1. Last evaluated: 2022-02-09. Review status: criteria provided, single submitter. Criteria: ACMG Guidelines, 2015. Collection method: clinical testing. Allele origin: unknown.

Genomic Diagnostic Laboratory, Division of Genomic Diagnostics, Children's Hospital of Philadelphia
Classification: Uncertain significance for Craniosynostosis, nonspecific. Last evaluated: 2016-09-17. Review status: criteria provided, single submitter. Criteria: DGD Variant Analysis Guidelines. Collection method: clinical testing. Allele origin: germline. Affected: yes. Observed: 3 variant alleles.
Comment: Clinical Testing